The following is an entry in ClinVar:

ClinVar aggregate classification (germline): Likely benign. Review status: criteria provided, multiple submitters, no conflicts (2 of 4 stars). 4 submissions from 4 submitters: Likely benign (2). 2 of the submissions do not count toward it. Last evaluated 2025-01-21.

Conditions:
Cardiovascular phenotype. Identifiers: MedGen CN230736.

Allele frequency attached by ClinVar (database versions not stated): gnomAD exomes 0.00012; gnomAD 0.00016 and 0.00015; ExAC 0.00013; ESP Exome Variant Server 0.00015.
gnomAD v4.1: 468 of 1,613,602 alleles (0.029%); highest among the groups gnomAD compares: Non-Finnish European, 0.038%; no homozygotes.

Submissions (4):

Mayo Clinic Laboratories, Mayo Clinic
Classification: Likely benign. Last evaluated: 2025-01-21. Review status: criteria provided, single submitter. Criteria: ACMG Guidelines, 2015. Collection method: clinical testing. Allele origin: germline. Observed: 1 variant allele.
Comment: BP4, BP7

Ambry Genetics
Classification: Likely benign for Cardiovascular phenotype. Last evaluated: 2022-04-04. Review status: criteria provided, single submitter. Criteria: Ambry Variant Classification Scheme 2023. Collection method: clinical testing. Allele origin: germline.

Clinical Genetics, Academic Medical Center
Classification: Likely benign. Review status: no assertion criteria provided. Collection method: clinical testing. Allele origin: germline. Affected: yes. Study: VKGL Data-share Consensus. Not counted in ClinVar's aggregate classification.

Genome Diagnostics Laboratory, Amsterdam University Medical Center
Classification: Likely benign. Review status: no assertion criteria provided. Collection method: clinical testing. Allele origin: germline. Affected: yes. Study: VKGL Data-share Consensus. Not counted in ClinVar's aggregate classification.

NM_000041.4(APOE):c.90C>G (p.Pro30=)

Gene: APOE (apolipoprotein E; plus strand). Cytogenetic location: 19q13.32.
Variant type: single nucleotide variant.
Coding change: c.90C>G on transcript NM_000041.4 (MANE Select); coding-DNA position 90, C replaced by G.
Protein change: p.Pro30=; no amino-acid change (proline 30 retained).
Molecular consequence: synonymous variant.
Genome position (GRCh38, 1-based): chr19:44,907,806, C>G. VCF-style: chr19-44907806-C-G. GRCh37 (hg19) VCF-style: chr19-45411063-C-G.
Other names: p.Pro30=; c.168C>G, p.Pro56= (NM_001302688.2); c.90C>G, p.Pro30= (NM_001302689.2, NM_001302690.2, NM_001302691.2).
Identifiers: ClinVar variation 1209987 (VCV001209987.6), dbSNP rs370227413, ClinGen allele CA9505974.